The following is an entry in ClinVar:

NM_012123.4(MTO1):c.216C>G (p.Ile72Met)

Gene: MTO1 (mitochondrial tRNA translation optimization 1; plus strand). Cytogenetic location: 6q13.
Variant type: single nucleotide variant.
Coding change: c.216C>G on transcript NM_012123.4 (MANE Select); coding-DNA position 216, C replaced by G.
Protein change: p.Ile72Met; replaces isoleucine 72 with methionine.
Molecular consequence: missense variant.
Genome position (GRCh38, 1-based): chr6:73,462,070, C>G. VCF-style: chr6-73462070-C-G. GRCh37 (hg19) VCF-style: chr6-74171793-C-G.
Other names: c.216C>G, p.Ile72Met (NM_001123226.2, NM_133645.3); c.216C>G (NM_012123.3); short protein forms I72M.
Identifiers: ClinVar variation 2201455 (VCV002201455.2), dbSNP rs143046967, ClinGen allele CA3889248.

ClinVar aggregate classification (germline): Uncertain significance. Review status: criteria provided, multiple submitters, no conflicts (2 of 4 stars). 2 submissions from 2 submitters: Uncertain significance (2). Last evaluated 2025-07-16.

Conditions:
MTO1-related disorder. Also called: MTO1-related condition.
Mitochondrial hypertrophic cardiomyopathy with lactic acidosis due to MTO1 deficiency. Also called: CARDIOMYOPATHY, INFANTILE HYPERTROPHIC MITOCHONDRIAL, AND LACTIC ACIDOSIS; Combined oxidative phosphorylation deficiency 10. Identifiers: Orphanet 314637, MedGen C4749921, MONDO:0013865, OMIM 614702.

Allele frequency attached by ClinVar (database versions not stated): TOPMed 0.00002; ESP Exome Variant Server 0.00008.
gnomAD v4.1: 1 of 1,612,778 alleles (0.000062%); highest among the groups gnomAD compares: African/African-American, 0.0013%; no homozygotes.

Submissions (2):

PreventionGenetics, part of Exact Sciences
Classification: Uncertain significance for MTO1-related condition. Last evaluated: 2025-07-16. Review status: criteria provided, single submitter. Criteria: ACMG Guidelines, 2015. Collection method: clinical testing. Allele origin: germline.
Comment: The MTO1 c.216C>G variant is predicted to result in the amino acid substitution p.Ile72Met. To our knowledge, this variant has not been reported in the literature. This variant is reported in 0.0064% of alleles in individuals of African descent in gnomAD. At this time, the clinical significance of this variant is uncertain due to the absence of conclusive functional and genetic evidence.

Labcorp Genetics (formerly Invitae), Labcorp
Classification: Uncertain significance for Mitochondrial hypertrophic cardiomyopathy with lactic acidosis due to MTO1 deficiency. Last evaluated: 2022-06-28. Review status: criteria provided, single submitter. Criteria: Invitae Variant Classification Sherloc (09022015). Collection method: clinical testing. Allele origin: germline.
Comment: This sequence change replaces isoleucine, which is neutral and non-polar, with methionine, which is neutral and non-polar, at codon 72 of the MTO1 protein (p.Ile72Met). This variant is present in population databases (rs143046967, gnomAD 0.007%). This variant has not been reported in the literature in individuals affected with MTO1-related conditions. Algorithms developed to predict the effect of missense changes on protein structure and function are either unavailable or do not agree on the potential impact of this missense change (SIFT: "Deleterious"; PolyPhen-2: "Possibly Damaging"; Align-GVGD: "Class C0"). In summary, the available evidence is currently insufficient to determine the role of this variant in disease. Therefore, it has been classified as a Variant of Uncertain Significance.